The following is an entry in ClinVar:

NM_019066.5(MAGEL2):c.677G>A (p.Gly226Asp)

Gene: MAGEL2 (MAGE family member L2; minus strand). Cytogenetic location: 15q11.2.
Variant type: single nucleotide variant.
Coding change: c.677G>A on transcript NM_019066.5 (MANE Select); coding-DNA position 677, G replaced by A.
Protein change: p.Gly226Asp; replaces glycine 226 with aspartic acid.
Molecular consequence: missense variant.
Genome position (GRCh38, 1-based): chr15:23,647,066, C>T on the plus strand (G>A on the coding strand, the complement: MAGEL2 is on the minus strand). VCF-style: chr15-23647066-C-T. GRCh37 (hg19) VCF-style: chr15-23892213-C-T.
Other names: short protein forms G226D.
Identifiers: ClinVar variation 1491345 (VCV001491345.6), dbSNP rs1407494628, ClinGen allele CA391336745.

ClinVar aggregate classification (germline): Uncertain significance (1 of 4 stars; one submission).

Allele frequency attached by ClinVar (database versions not stated): gnomAD exomes below 0.00001 and 0.00001; gnomAD 0.00001.
gnomAD v4.1: 1 of 1,535,728 alleles (0.000065%); highest among the groups gnomAD compares: Admixed American, 0.002%; no homozygotes.

Submission:

Labcorp Genetics (formerly Invitae), Labcorp
Classification: Uncertain significance. Last evaluated: 2025-02-10. Review status: criteria provided, single submitter. Criteria: Invitae Variant Classification Sherloc (09022015). Collection method: clinical testing. Allele origin: germline.
Comment: This sequence change replaces glycine, which is neutral and non-polar, with aspartic acid, which is acidic and polar, at codon 226 of the MAGEL2 protein (p.Gly226Asp). This variant is present in population databases (no rsID available, gnomAD 0.02%). This variant has not been reported in the literature in individuals affected with MAGEL2-related conditions. ClinVar contains an entry for this variant (Variation ID: 1491345). Experimental studies and prediction algorithms are not available or were not evaluated, and the functional significance of this variant is currently unknown. In summary, the available evidence is currently insufficient to determine the role of this variant in disease. Therefore, it has been classified as a Variant of Uncertain Significance.